The following is an entry in ClinVar:

ClinVar aggregate classification (germline): Likely benign (0 of 4 stars; one submission).

Conditions:
DYNC1I1-related disorder. Also called: DYNC1I1-related condition.

gnomAD v4.1: 145 of 1,610,812 alleles (0.009%); highest among the groups gnomAD compares: South Asian, 0.16%; 2 homozygotes.

Submission:

PreventionGenetics, part of Exact Sciences
Classification: Likely benign for DYNC1I1-related condition. Last evaluated: 2019-07-19. Review status: no assertion criteria provided. Collection method: clinical testing. Allele origin: germline.
Comment: This variant is classified as likely benign based on ACMG/AMP sequence variant interpretation guidelines (Richards et al. 2015 PMID: 25741868, with internal and published modifications).

NM_001135556.2(DYNC1I1):c.294C>A (p.Gly98=)

Gene: DYNC1I1 (dynein cytoplasmic 1 intermediate chain 1; plus strand). Cytogenetic location: 7q21.3.
Variant type: single nucleotide variant.
Coding change: c.294C>A on transcript NM_001135556.2 (MANE Select); coding-DNA position 294, C replaced by A.
Protein change: p.Gly98=; no amino-acid change (glycine 98 retained).
Molecular consequence: synonymous variant.
Genome position (GRCh38, 1-based): chr7:95,813,317, C>A. VCF-style: chr7-95813317-C-A. GRCh37 (hg19) VCF-style: chr7-95442629-C-A.
Other names: c.294C>A, p.Gly98= (NM_001135557.2, NM_001278422.2); c.345C>A, p.Gly115= (NM_001278421.2, NM_004411.5).
Identifiers: ClinVar variation 3050717 (VCV003050717.2), dbSNP rs145885345, ClinGen allele CA4352172.